The following is an entry in ClinVar:

ClinVar aggregate classification (germline): Uncertain significance (1 of 4 stars; one submission).

Submission:

Ambry Genetics
Classification: Uncertain significance. Last evaluated: 2025-02-16. Review status: criteria provided, single submitter. Criteria: Ambry Variant Classification Scheme 2023. Collection method: clinical testing. Allele origin: germline.
Comment: The p.R168G variant (also known as c.502A>G), located in coding exon 3 of the GEN1 gene, results from an A to G substitution at nucleotide position 502. The arginine at codon 168 is replaced by glycine, an amino acid with dissimilar properties. This amino acid position is conserved. In addition, this alteration is predicted to be deleterious by in silico analysis. Based on the available evidence, the clinical significance of this variant remains unclear.

NM_001130009.3(GEN1):c.502A>G (p.Arg168Gly)

Gene: GEN1 (GEN1 Holliday junction 5' flap endonuclease; plus strand). Cytogenetic location: 2p24.2.
Variant type: single nucleotide variant.
Coding change: c.502A>G on transcript NM_001130009.3 (MANE Select); coding-DNA position 502, A replaced by G.
Protein change: p.Arg168Gly; replaces arginine 168 with glycine.
Molecular consequence: missense variant.
Genome position (GRCh38, 1-based): chr2:17,765,050, A>G. VCF-style: chr2-17765050-A-G. GRCh37 (hg19) VCF-style: chr2-17946317-A-G.
Other names: c.502A>G, p.Arg168Gly (NM_182625.5); short protein forms R168G.
Identifiers: ClinVar variation 3853579 (VCV003853579.1).